The following is an entry in ClinVar:

ClinVar aggregate classification (germline): Likely benign (1 of 4 stars; one submission).

Conditions:
PDE6B-related disorder. Also called: PDE6B-related disease; PDE6B-related condition; PDE6B-related disorders.

gnomAD v4.1: 2 of 1,611,766 alleles (0.00012%); highest among the groups gnomAD compares: African/African-American, 0.0027%; no homozygotes.

Submission:

PreventionGenetics, part of Exact Sciences
Classification: Likely benign for PDE6B-related condition. Last evaluated: 2026-05-21. Review status: criteria provided, single submitter. Criteria: ACMG Guidelines, 2015. Collection method: clinical testing. Allele origin: germline.
Comment: This variant is classified as likely benign based on ACMG/AMP sequence variant interpretation guidelines (Richards et al. 2015 PMID: 25741868, with internal and published modifications).

NM_000283.4(PDE6B):c.2130-14G>C

Gene: PDE6B (phosphodiesterase 6B; plus strand). Cytogenetic location: 4p16.3.
Variant type: single nucleotide variant.
Coding change: c.2130-14G>C on transcript NM_000283.4 (MANE Select); 14 bases into the intron before coding-DNA position 2130, G replaced by C.
Molecular consequence: intron variant.
Genome position (GRCh38, 1-based): chr4:664,867, G>C. VCF-style: chr4-664867-G-C. GRCh37 (hg19) VCF-style: chr4-658656-G-C.
Other names: c.2130-14G>C (NM_001145291.2, NM_001440547.1, NM_001440548.1); c.1293-14G>C (NM_001379246.1, NM_001379247.1, NM_001145292.2 and 1 more transcripts); c.975-14G>C (NM_001350155.3).
Identifiers: ClinVar variation 4978428 (VCV004978428.1).
Genomic context (GRCh38, chr4:664,867, plus strand): 5'-AAAAAGAAAACACATATAAACCACCTGCCCTCAGGAGACGCCCATCAGCACTCGTGCCCG[G>C]TTTGTGTCTGCAGGGCCATGATGATGACAGCCTGCGACCTGTCTGCCATCACCAAGCCCT-3'